The following is an entry in ClinVar:

NM_020988.3(GNAO1):c.502T>G (p.Tyr168Asp)

Gene: GNAO1 (G protein subunit alpha o1; plus strand). Cytogenetic location: 16q13.
Variant type: single nucleotide variant.
Coding change: c.502T>G on transcript NM_020988.3 (MANE Select); coding-DNA position 502, T replaced by G.
Protein change: p.Tyr168Asp; replaces tyrosine 168 with aspartic acid.
Molecular consequence: missense variant.
Genome position (GRCh38, 1-based): chr16:56,334,766, T>G. VCF-style: chr16-56334766-T-G. GRCh37 (hg19) VCF-style: chr16-56368678-T-G.
Other names: c.502T>G, p.Tyr168Asp (NM_138736.3); short protein forms Y168D.
Identifiers: ClinVar variation 3639643 (VCV003639643.2).

ClinVar aggregate classification (germline): Pathogenic (1 of 4 stars; one submission).

Conditions:
Early-infantile DEE. Also called: Early infantile epileptic encephalopathy; Ohtahara syndrome; Early infantile epileptic encephalopathy with suppression bursts. Identifiers: Orphanet 1934, MedGen C0393706, MONDO:0800491.

Submission:

Labcorp Genetics (formerly Invitae), Labcorp
Classification: Pathogenic for Early-infantile DEE. Last evaluated: 2024-10-17. Review status: criteria provided, single submitter. Criteria: Invitae Variant Classification Sherloc (09022015). Collection method: clinical testing. Allele origin: germline.
Comment: This sequence change replaces tyrosine, which is neutral and polar, with aspartic acid, which is acidic and polar, at codon 168 of the GNAO1 protein (p.Tyr168Asp). This variant is not present in population databases (gnomAD no frequency). This missense change has been observed in individual(s) with GNAO1-related conditions (internal data). In at least one individual the variant was observed to be de novo. Invitae Evidence Modeling of protein sequence and biophysical properties (such as structural, functional, and spatial information, amino acid conservation, physicochemical variation, residue mobility, and thermodynamic stability) indicates that this missense variant is expected to disrupt GNAO1 protein function with a positive predictive value of 95%. For these reasons, this variant has been classified as Pathogenic.